The following is an entry in ClinVar:

ClinVar aggregate classification (germline): Uncertain significance (1 of 4 stars; one submission).

gnomAD v4.1: 10 of 1,428,070 alleles (0.0007%); highest among the groups gnomAD compares: Non-Finnish European, 0.00089%; no homozygotes.

Submission:

Ambry Genetics
Classification: Uncertain significance. Last evaluated: 2026-07-03. Review status: criteria provided, single submitter. Criteria: Ambry Variant Classification Scheme 2023. Collection method: clinical testing. Allele origin: germline.
Comment: The c.1034G>A (p.R345H) alteration is located in exon 6 (coding exon 6) of the KIR3DL3 gene. This alteration results from a G to A substitution at nucleotide position 1034, causing the arginine (R) at amino acid position 345 to be replaced by a histidine (H). Based on data from gnomAD, the A allele has an overall frequency of <0.001% (1/203124) total alleles studied. The highest observed frequency was 0.001% (1/91652) of European (non-Finnish) alleles. Based on insufficient or conflicting evidence, the clinical significance of this alteration remains unclear.

NM_153443.5(KIR3DL3):c.1034G>A (p.Arg345His)

Gene: KIR3DL3 (killer cell immunoglobulin like receptor, three Ig domains and long cytoplasmic tail 3). Cytogenetic location: 19q13.42.
Variant type: single nucleotide variant.
Coding change: c.1034G>A on transcript NM_153443.5 (MANE Select); coding-DNA position 1034, G replaced by A.
Protein change: p.Arg345His; replaces arginine 345 with histidine.
Molecular consequence: missense variant.
Genome position (GRCh38, 1-based): chr19:54,735,337, G>A. VCF-style: chr19-54735337-G-A. GRCh37 (hg19) VCF-style: chr19-55246804-G-A.
Other names: short protein forms R345H.
Identifiers: ClinVar variation 5023272 (VCV005023272.1).
Genomic context (GRCh38, chr19:54,735,337, plus strand): 5'-TGATTGGGACCTCAGTGGTCATCATCCCCTTTGCTATCCTCCTCTTCTTTCTCCTTCATC[G>A]CTGGTGTGCCAACAAAAAGAGTAAGTCTCACGAAGCAGAAGCCAGAGAGCTCAGGGCCAT-3'
Protein context (NP_703144.3, residues 335-355): FAILLFFLLH[Arg345His]WCANKKNAVV